The following is an entry in ClinVar:

ClinVar aggregate classification (germline): Uncertain significance (1 of 4 stars; one submission).

Submission:

GeneDx
Classification: Uncertain significance. Last evaluated: 2024-10-29. Review status: criteria provided, single submitter. Criteria: GeneDx Variant Classification Process June 2021. Collection method: clinical testing. Allele origin: germline. Affected: yes.
Comment: Not observed at significant frequency in large population cohorts (gnomAD); In silico analysis supports that this missense variant has a deleterious effect on protein structure/function; Has not been previously published as pathogenic or benign to our knowledge

NM_001375524.1(TRRAP):c.3604G>A (p.Ala1202Thr)

Gene: TRRAP (transformation/transcription domain associated protein; plus strand). Cytogenetic location: 7q22.1.
Variant type: single nucleotide variant.
Coding change: c.3604G>A on transcript NM_001375524.1 (MANE Select); coding-DNA position 3604, G replaced by A.
Protein change: p.Ala1202Thr; replaces alanine 1202 with threonine.
Molecular consequence: missense variant.
Genome position (GRCh38, 1-based): chr7:98,931,417, G>A. VCF-style: chr7-98931417-G-A. GRCh37 (hg19) VCF-style: chr7-98529040-G-A.
Other names: c.3604G>A, p.Ala1202Thr (NM_001244580.2, NM_003496.4); short protein forms A1202T.
Identifiers: ClinVar variation 3897393 (VCV003897393.1).
Genomic context (GRCh38, chr7:98,931,417, plus strand): 5'-GTGGGTGGCATCGCCCTGCTTTCATTCTAAGACATCCCTGACTTGCAGGTTTCCAATGGG[G>A]CAGTCGCTATGGCAAAGACCACGCTGGAGCAGCTTCTGATGCGGTGCGCAACGCCTTTAA-3'
Protein context (NP_001362453.1, residues 1192-1212): MDLTGEVSNG[Ala1202Thr]VAMAKTTLEQ